The following is an entry in ClinVar:

ClinVar aggregate classification (germline): Uncertain significance. Review status: criteria provided, multiple submitters, no conflicts (2 of 4 stars). 2 submissions from 2 submitters: Uncertain significance (2). Last evaluated 2025-05-20.

Conditions:
Inborn genetic diseases. Identifiers: MedGen C0950123, MeSH D030342.

Allele frequency attached by ClinVar (database versions not stated): gnomAD 0.00011 and 0.00009; TOPMed 0.00009; gnomAD exomes below 0.00001.
gnomAD v4.1: 19 of 1,431,206 alleles (0.0013%); highest among the groups gnomAD compares: African/African-American, 0.024%; no homozygotes.

Submissions (2):

Ambry Genetics
Classification: Uncertain significance for Inborn genetic diseases. Last evaluated: 2025-05-20. Review status: criteria provided, single submitter. Criteria: Ambry Variant Classification Scheme 2023. Collection method: clinical testing. Allele origin: germline.

Labcorp Genetics (formerly Invitae), Labcorp
Classification: Uncertain significance. Last evaluated: 2022-03-10. Review status: criteria provided, single submitter. Criteria: Invitae Variant Classification Sherloc (09022015). Collection method: clinical testing. Allele origin: germline.
Comment: This sequence change replaces glutamic acid, which is acidic and polar, with lysine, which is basic and polar, at codon 912 of the ARHGEF18 protein (p.Glu912Lys). This variant is present in population databases (no rsID available, gnomAD 0.02%). This variant has not been reported in the literature in individuals affected with ARHGEF18-related conditions. ClinVar contains an entry for this variant (Variation ID: 1037459). Algorithms developed to predict the effect of missense changes on protein structure and function are either unavailable or do not agree on the potential impact of this missense change (SIFT: "Deleterious"; PolyPhen-2: "Benign"; Align-GVGD: "Class C0"). In summary, the available evidence is currently insufficient to determine the role of this variant in disease. Therefore, it has been classified as a Variant of Uncertain Significance.

NM_001367823.1(ARHGEF18):c.3298G>A (p.Glu1100Lys)

Gene: ARHGEF18 (Rho/Rac guanine nucleotide exchange factor 18; plus strand). Cytogenetic location: 19p13.2.
Variant type: single nucleotide variant.
Coding change: c.3298G>A on transcript NM_001367823.1 (MANE Select); coding-DNA position 3298, G replaced by A.
Protein change: p.Glu1100Lys; replaces glutamic acid 1100 with lysine.
Molecular consequence: missense variant.
Genome position (GRCh38, 1-based): chr19:7,467,502, G>A. VCF-style: chr19-7467502-G-A. GRCh37 (hg19) VCF-style: chr19-7532388-G-A.
Other names: c.2572G>A, p.Glu858Lys (NM_001130955.2); c.2260G>A, p.Glu754Lys (NM_001367824.1, NM_015318.4); c.2734G>A (NM_001130955.1); short protein forms E858K, E1100K, E754K.
Identifiers: ClinVar variation 1037459 (VCV001037459.7), dbSNP rs994341440, ClinGen allele CA304856606.